The following is an entry in ClinVar:

ClinVar aggregate classification (germline): Likely benign. Review status: criteria provided, multiple submitters, no conflicts (2 of 4 stars). 3 submissions from 3 submitters: Likely benign (3). Last evaluated 2025-12-09.

Conditions:
Hereditary cancer-predisposing syndrome. Also called: Hereditary Cancer Syndrome; Hereditary neoplastic syndrome; Neoplastic Syndromes, Hereditary; Tumor predisposition. Identifiers: Orphanet 140162, MedGen C0027672, MeSH D009386, MONDO:0015356.

Allele frequency attached by ClinVar (database versions not stated): gnomAD exomes below 0.00001; TOPMed below 0.00001; gnomAD 0.00001.

Submissions (3):

Labcorp Genetics (formerly Invitae), Labcorp
Classification: Likely benign. Last evaluated: 2025-12-09. Review status: criteria provided, single submitter. Criteria: Invitae Variant Classification Sherloc (09022015). Collection method: clinical testing. Allele origin: germline.

GeneDx
Classification: Likely benign. Last evaluated: 2020-02-23. Review status: criteria provided, single submitter. Criteria: GeneDx Variant Classification Process June 2021. Collection method: clinical testing. Allele origin: germline. Affected: yes.
Comment: This variant is associated with the following publications: (PMID: 25344691)

Ambry Genetics
Classification: Likely benign for Hereditary cancer-predisposing syndrome. Last evaluated: 2016-02-16. Review status: criteria provided, single submitter. Criteria: Ambry Variant Classification Scheme 2023. Collection method: clinical testing. Allele origin: germline.

NM_006231.4(POLE):c.4533C>T (p.Ser1511=)

Gene: POLE (DNA polymerase epsilon, catalytic subunit; minus strand). Cytogenetic location: 12q24.33.
Variant type: single nucleotide variant.
Coding change: c.4533C>T on transcript NM_006231.4 (MANE Select); coding-DNA position 4533, C replaced by T.
Protein change: p.Ser1511=; no amino-acid change (serine 1511 retained).
Molecular consequence: synonymous variant.
Genome position (GRCh38, 1-based): chr12:132,643,242, G>A on the plus strand (C>T on the coding strand, the complement: POLE is on the minus strand). VCF-style: chr12-132643242-G-A. GRCh37 (hg19) VCF-style: chr12-133219828-G-A.
Identifiers: ClinVar variation 390181 (VCV000390181.18), dbSNP rs1057523672, ClinGen allele CA16606142.